The following is an entry in ClinVar:

NM_000128.4(F11):c.1866_1867del (p.Gln623fs)

Genes: F11 (coagulation factor XI; plus strand), F11-AS1 (F11 antisense RNA 1; minus strand). Cytogenetic location: 4q35.2.
Variant type: Deletion.
Coding change: c.1866_1867del on transcript NM_000128.4 (MANE Select); coding-DNA positions 1866 to 1867, 2 bases deleted (TC; older notation c.1866_1867delTC).
Protein change: p.Gln623fs; shifts the reading frame from glutamine 623.
Molecular consequence: frameshift variant. On other transcripts: non-coding transcript variant (1).
Genome position (GRCh38, 1-based): chr4:186,288,602-186,288,603, TC deleted; deleting any 2 consecutive bases within chr4:186,288,601-186,288,603 gives the same sequence; the c. name uses the placement nearest the transcript's 3' end. VCF-style (leftmost placement, unchanged base first): chr4-186288600-ACT-A. GRCh37 (hg19) VCF-style: chr4-187209754-ACT-A.
Other names: p.Gln623Serfs*38; c.1866_1867delTC, p.Gln623Serfs (NM_000128.3); short protein forms Q623fs.
Identifiers: ClinVar variation 2682877 (VCV002682877.1), dbSNP rs1741391592, ClinGen allele CA1519939875.

ClinVar aggregate classification (germline): Uncertain significance (1 of 4 stars; one submission).

Submission:

Mayo Clinic Laboratories, Mayo Clinic
Classification: Uncertain significance. Last evaluated: 2022-06-06. Review status: criteria provided, single submitter. Criteria: ACMG Guidelines, 2015. Collection method: clinical testing. Allele origin: germline. Observed: 1 variant allele.
Comment: PM2, PVS1_moderate